The following is an entry in ClinVar:

ClinVar aggregate classification (germline): Conflicting classifications of pathogenicity. Review status: criteria provided, conflicting classifications (1 of 4 stars). 6 submissions from 6 submitters: Uncertain significance (1); Benign (1); Likely benign (3). 1 of the submissions does not count toward it. Last evaluated 2026-02-01.

Conditions:
TUBB3-related disorder. Also called: TUBB3-related condition; TUBB3-related disorders.

Allele frequency attached by ClinVar (database versions not stated): gnomAD 0.00040 and 0.00041; TOPMed 0.00046; gnomAD exomes 0.00066; ExAC 0.00075; ESP Exome Variant Server 0.00100.
gnomAD v4.1: 1,160 of 1,614,190 alleles (0.072%); highest among the groups gnomAD compares: Middle Eastern, 0.18%; 2 homozygotes.

Submissions (6):

CeGaT Center for Human Genetics Tuebingen
Classification: Likely benign. Last evaluated: 2026-02-01. Review status: criteria provided, single submitter. Criteria: CeGaT Center For Human Genetics Tuebingen Variant Classification Criteria Version 2. Collection method: clinical testing. Allele origin: germline. Affected: yes. Observed: 5 variant alleles.
Comment: TUBB3: BP4, BP7

Labcorp Genetics (formerly Invitae), Labcorp
Classification: Benign. Last evaluated: 2026-01-25. Review status: criteria provided, single submitter. Criteria: Invitae Variant Classification Sherloc (09022015). Collection method: clinical testing. Allele origin: germline.

Blueprint Genetics
Classification: Likely benign. Last evaluated: 2024-11-07. Review status: criteria provided, single submitter. Criteria: ACMG Guidelines, 2015. Collection method: clinical testing. Allele origin: germline.

GeneDx
Classification: Likely benign. Last evaluated: 2020-01-15. Review status: criteria provided, single submitter. Criteria: GeneDx Variant Classification Process June 2021. Collection method: clinical testing. Allele origin: germline. Affected: yes.

Eurofins Ntd Llc (ga)
Classification: Uncertain significance. Last evaluated: 2015-08-26. Review status: criteria provided, single submitter. Criteria: EGL Classification Definitions 2015. Collection method: clinical testing. Allele origin: germline. Observed: 1 variant allele, 1 heterozygote.

PreventionGenetics, part of Exact Sciences
Classification: Likely benign for TUBB3-related condition. Last evaluated: 2020-03-04. Review status: no assertion criteria provided. Collection method: clinical testing. Allele origin: germline. Not counted in ClinVar's aggregate classification.
Comment: This variant is classified as likely benign based on ACMG/AMP sequence variant interpretation guidelines (Richards et al. 2015 PMID: 25741868, with internal and published modifications).

NM_006086.4(TUBB3):c.357G>A (p.Val119=)

Gene: TUBB3 (tubulin beta 3 class III; plus strand). Cytogenetic location: 16q24.3.
Variant type: single nucleotide variant.
Coding change: c.357G>A on transcript NM_006086.4 (MANE Select); coding-DNA position 357, G replaced by A.
Protein change: p.Val119=; no amino-acid change (valine 119 retained).
Molecular consequence: synonymous variant.
Genome position (GRCh38, 1-based): chr16:89,934,808, G>A. VCF-style: chr16-89934808-G-A. GRCh37 (hg19) VCF-style: chr16-90001216-G-A.
Other names: c.141G>A, p.Val47= (NM_001197181.2).
Identifiers: ClinVar variation 282714 (VCV000282714.43), dbSNP rs34174718, ClinGen allele CA8256100.